The following is an entry in ClinVar:

ClinVar aggregate classification (germline): Uncertain significance (1 of 4 stars; one submission).

Submission:

Labcorp Genetics (formerly Invitae), Labcorp
Classification: Uncertain significance. Last evaluated: 2022-12-07. Review status: criteria provided, single submitter. Criteria: Invitae Variant Classification Sherloc (09022015). Collection method: clinical testing. Allele origin: germline.
Comment: Algorithms developed to predict the effect of missense changes on protein structure and function (SIFT, PolyPhen-2, Align-GVGD) all suggest that this variant is likely to be tolerated. In summary, the available evidence is currently insufficient to determine the role of this variant in disease. Therefore, it has been classified as a Variant of Uncertain Significance. This variant has not been reported in the literature in individuals affected with CACNA1D-related conditions. This variant is not present in population databases (gnomAD no frequency). This sequence change replaces asparagine, which is neutral and polar, with histidine, which is basic and polar, at codon 44 of the CACNA1D protein (p.Asn44His).

NM_001128840.3(CACNA1D):c.130A>C (p.Asn44His)

Gene: CACNA1D (calcium voltage-gated channel subunit alpha1 D; plus strand). Cytogenetic location: 3p21.1.
Variant type: single nucleotide variant.
Coding change: c.130A>C on transcript NM_001128840.3 (MANE Select); coding-DNA position 130, A replaced by C.
Protein change: p.Asn44His; replaces asparagine 44 with histidine.
Molecular consequence: missense variant.
Genome position (GRCh38, 1-based): chr3:53,497,214, A>C. VCF-style: chr3-53497214-A-C. GRCh37 (hg19) VCF-style: chr3-53531241-A-C.
Other names: c.130A>C, p.Asn44His (NM_000720.4, NM_001128839.3); short protein forms N44H.
Identifiers: ClinVar variation 2819180 (VCV002819180.3), dbSNP rs2471508665, ClinGen allele CA353381802.